The following is an entry in ClinVar:

NM_001458.5(FLNC):c.3702del (p.Val1235fs)

Gene: FLNC (filamin C; plus strand). Cytogenetic location: 7q32.1.
Variant type: Deletion.
Coding change: c.3702del on transcript NM_001458.5 (MANE Select); coding-DNA position 3702, one base deleted (C; older notation c.3702delC).
Protein change: p.Val1235fs; shifts the reading frame from valine 1235.
Molecular consequence: frameshift variant.
Genome position (GRCh38, 1-based): chr7:128,845,167, C deleted; the last of 3 consecutive C bases (chr7:128,845,165-128,845,167); deleting any one gives the same sequence. VCF-style (leftmost placement, unchanged base first): chr7-128845164-TC-T. GRCh37 (hg19) VCF-style: chr7-128485218-TC-T.
Other names: c.3702del, p.Val1235fs (NM_001127487.2); short protein forms V1235fs.
Identifiers: ClinVar variation 1068841 (VCV001068841.9), dbSNP rs2128936516, ClinGen allele CA2499218738.

ClinVar aggregate classification (germline): Pathogenic (1 of 4 stars; one submission).

Conditions:
Myofibrillar myopathy 5. Also called: Filaminopathy (type); FILAMINOPATHY, AUTOSOMAL DOMINANT. Identifiers: Orphanet 171445, MedGen C1836050, MONDO:0012289, OMIM 609524.
Distal myopathy with posterior leg and anterior hand involvement. Also called: WILLIAMS DISTAL MYOPATHY. Identifiers: Orphanet 63273, MedGen C3279722, MONDO:0013550, OMIM 614065.
Hypertrophic cardiomyopathy 26. Also called: Cardiomyopathy, familial hypertrophic, 26. Identifiers: Orphanet 75249, MedGen C4310749, MONDO:0014883, OMIM 617047.

Submission:

Labcorp Genetics (formerly Invitae), Labcorp
Classification: Pathogenic for Distal myopathy with posterior leg and anterior hand involvement; Myofibrillar myopathy 5; Hypertrophic cardiomyopathy 26. Last evaluated: 2020-06-18. Review status: criteria provided, single submitter. Criteria: Invitae Variant Classification Sherloc (09022015). Collection method: clinical testing. Allele origin: germline.
Comment: For these reasons, this variant has been classified as Pathogenic. Loss-of-function variants in FLNC are known to be pathogenic (PMID: 27908349). This variant has not been reported in the literature in individuals with FLNC-related conditions. This variant is not present in population databases (ExAC no frequency). This sequence change creates a premature translational stop signal (p.Val1235Cysfs*35) in the FLNC gene. It is expected to result in an absent or disrupted protein product.

Literature cited by the submitters: PubMed 27908349.